The following is an entry in ClinVar:

ClinVar aggregate classification (germline): Conflicting classifications of pathogenicity. Review status: criteria provided, conflicting classifications (1 of 4 stars). 2 submissions from 2 submitters: Uncertain significance (1); Likely benign (1). Last evaluated 2025-05-28.

Allele frequency attached by ClinVar (database versions not stated): gnomAD 0.00006 and 0.00005; ExAC 0.00007; TOPMed 0.00008; ESP Exome Variant Server 0.00009; gnomAD exomes 0.00010.
gnomAD v4.1: 129 of 1,597,574 alleles (0.0081%); highest among the groups gnomAD compares: Admixed American, 0.024%; no homozygotes.

Submissions (2):

Ambry Genetics
Classification: Likely benign. Last evaluated: 2025-05-28. Review status: criteria provided, single submitter. Criteria: Ambry Variant Classification Scheme 2023. Collection method: clinical testing. Allele origin: germline.

Genetic Services Laboratory, University of Chicago
Classification: Uncertain significance. Last evaluated: 2021-11-15. Review status: criteria provided, single submitter. Criteria: ACMG Guidelines, 2015. Collection method: clinical testing. Allele origin: germline. Affected: no.
Comment: This sequence change does not appear to have been previously described in individuals with KIAA1109-related disorders. This sequence change has been described in the gnomAD database with a frequency of 0.0090% (dbSNP rs199640893). The p.Met95Val change affects a poorly conserved amino acid residue located in a domain of the KIAA1109 protein that is not known to be functional. In-silico pathogenicity prediction tools (SIFT, PolyPhen2, Align GVGD, REVEL) provide contradictory results for the p.Met95Val substitution. Due to insufficient evidence and the lack of functional studies, the clinical significance of the p.Met95Val change remains unknown at this time.

NM_001384125.1(BLTP1):c.283A>G (p.Met95Val)

Gene: BLTP1 (bridge-like lipid transfer protein family member 1; plus strand). Cytogenetic location: 4q27.
Variant type: single nucleotide variant.
Coding change: c.283A>G on transcript NM_001384125.1 (MANE Select); coding-DNA position 283, A replaced by G.
Protein change: p.Met95Val; replaces methionine 95 with valine.
Molecular consequence: missense variant.
Genome position (GRCh38, 1-based): chr4:122,174,642, A>G. VCF-style: chr4-122174642-A-G. GRCh37 (hg19) VCF-style: chr4-123095797-A-G.
Other names: c.283A>G, p.Met95Val (NM_015312.4); short protein forms M95V.
Identifiers: ClinVar variation 1338126 (VCV001338126.5), dbSNP rs199640893, ClinGen allele CA3065287.
Genomic context (GRCh38, chr4:122,174,642, plus strand): 5'-TCTTTCTCTGTTCTTTCTGGAAAAGTCATGGTTCGTGAAATCTATTACATTACAGAAGAC[A>G]TGTCTATTAGGTAACAAAATTAAAAAATTGAAAAGGACCCATGTTAAACATACTTTAAAA-3'
Protein context (NP_001371054.1, residues 85-105): VREIYYITED[Met95Val]SIRIQDGFII